The following is an entry in ClinVar:

ClinVar aggregate classification (germline): Likely pathogenic. Review status: criteria provided, single submitter (1 of 4 stars). 2 submissions from 2 submitters: Likely pathogenic (1). 1 of the submissions does not count toward it. Last evaluated 2025-11-06.

Conditions:
Schaaf-Yang syndrome (SHFYNG). Also called: MAGEL2-related Prader-Willi-like syndrome; Arthrogryposis, distal, with hypopituitarism, intellectual disability, and facial anomalies. Identifiers: Orphanet 398069, MedGen C5575066, MONDO:0014243, OMIM 615547.
MAGEL2-related disorder. Also called: MAGEL2-related condition.

Submissions (2):

Variantyx, Inc.
Classification: Likely pathogenic for Schaaf-Yang syndrome. Last evaluated: 2025-11-06. Review status: criteria provided, single submitter. Criteria: Variantyx Assertion Criteria 2022. Collection method: clinical testing. Allele origin: germline. Inheritance: Autosomal dominant inheritance. Affected: yes.
Comment: This is a frameshift variant in the MAGEL2 gene (OMIM: 605283). Pathogenic variants in this gene have been associated with autosomal dominant Schaaf-Yang syndrome. This variant introduces a premature termination codon in exon 1 out of 1 and is expected to result in loss of function, which is a known disease mechanism for MAGEL2 in this disorder (PMID: 27195816, 33076953) (PVS1). This variant has a 0.0029% maximum allele frequency in non-founder control populations (PM2). Based on the current evidence, this variant is classified as likely pathogenic for autosomal dominant Schaaf-Yang syndrome. MAGEL2 is a maternally imprinted, single-exon gene located within the Prader-Willi critical region. Pathogenic variants cause disease only when present on the paternal (unmethylated) allele.

PreventionGenetics, part of Exact Sciences
Classification: Likely pathogenic for MAGEL2-related condition. Last evaluated: 2024-06-14. Review status: no assertion criteria provided. Collection method: clinical testing. Allele origin: germline. Not counted in ClinVar's aggregate classification.
Comment: The MAGEL2 c.528delG variant is predicted to result in a frameshift and premature protein termination (p.Thr177Profs*62). To our knowledge, this variant has not been reported in the literature. This variant is reported in 0.0043% of alleles in individuals of Latino descent in gnomAD. Frameshift variants in MAGEL2 are expected to be pathogenic. This variant is interpreted as likely pathogenic.

Literature cited by the submitters: PubMed 27195816 (cited by Variantyx, Inc.); PubMed 33076953 (cited by Variantyx, Inc.).

NM_019066.5(MAGEL2):c.528del (p.Thr177fs)

Gene: MAGEL2 (MAGE family member L2; minus strand). Cytogenetic location: 15q11.2.
Variant type: Deletion.
Coding change: c.528del on transcript NM_019066.5 (MANE Select); coding-DNA position 528, one base deleted (G; older notation c.528delG).
Protein change: p.Thr177fs; shifts the reading frame from threonine 177.
Molecular consequence: frameshift variant.
Genome position (GRCh38, 1-based): chr15:23,647,215, C deleted on the plus strand (G on the coding strand, the reverse complement: MAGEL2 is on the minus strand); the first of 4 consecutive C bases (chr15:23,647,215-23,647,218); deleting any one gives the same sequence. VCF-style (leftmost placement, unchanged base first): chr15-23647214-TC-T. GRCh37 (hg19) VCF-style: chr15-23892361-TC-T.
Other names: short protein forms T177fs.
Identifiers: ClinVar variation 3345643 (VCV003345643.2).